The following is an entry in ClinVar:

NM_032578.4(MYPN):c.2564+54A>G

Gene: MYPN (myopalladin; plus strand). Cytogenetic location: 10q21.3.
Variant type: single nucleotide variant.
Coding change: c.2564+54A>G on transcript NM_032578.4 (MANE Select); 54 bases into the intron after coding-DNA position 2564, A replaced by G.
Molecular consequence: intron variant.
Genome position (GRCh38, 1-based): chr10:68,174,710, A>G. VCF-style: chr10-68174710-A-G. GRCh37 (hg19) VCF-style: chr10-69934467-A-G.
Other names: c.2564+54A>G (NM_001256267.2); c.1682+54A>G (NM_001256268.2).
Identifiers: ClinVar variation 671144 (VCV000671144.2), dbSNP rs3814183, ClinGen allele CA13222919.

ClinVar aggregate classification (germline): Benign. Review status: criteria provided, multiple submitters, no conflicts (2 of 4 stars). 2 submissions from 2 submitters: Benign (2). Last evaluated 2018-06-14.

Allele frequency attached by ClinVar (database versions not stated): TOPMed 0.79911; gnomAD 0.80303 and 0.80535; 1000 Genomes Project 30x 0.81199; gnomAD exomes 0.81662; 1000 Genomes Project 0.81709.
gnomAD v4.1: 1,240,421 of 1,521,220 alleles (82%); highest among the groups gnomAD compares: East Asian, 90%; 506,772 homozygotes.

Submissions (2):

GeneDx
Classification: Benign. Last evaluated: 2018-06-14. Review status: criteria provided, single submitter. Criteria: GeneDx Variant Classification (06012015). Collection method: clinical testing. Allele origin: germline. Affected: yes.
Comment: This variant is considered likely benign or benign based on one or more of the following criteria: it is a conservative change, it occurs at a poorly conserved position in the protein, it is predicted to be benign by multiple in silico algorithms, and/or has population frequency not consistent with disease.

Breakthrough Genomics
Classification: Benign. Review status: criteria provided, single submitter. Criteria: ACMG Guidelines, 2015. Collection method: not provided. Allele origin: germline. Inheritance: Autosomal recessive inheritance. Affected: yes.